The following is an entry in ClinVar:

NM_001374828.1(ARID1B):c.2517C>T (p.Pro839=)

Gene: ARID1B (AT-rich interaction domain 1B; plus strand). Cytogenetic location: 6q25.3.
Variant type: single nucleotide variant.
Coding change: c.2517C>T on transcript NM_001374828.1 (MANE Select); coding-DNA position 2517, C replaced by T.
Protein change: p.Pro839=; no amino-acid change (proline 839 retained).
Molecular consequence: synonymous variant.
Genome position (GRCh38, 1-based): chr6:157,110,497, C>T. VCF-style: chr6-157110497-C-T. GRCh37 (hg19) VCF-style: chr6-157431631-C-T.
Other names: c.2307C>T, p.Pro769= (NM_020732.3); c.18C>T, p.Pro6= (NM_001363725.2); c.2556C>T, p.Pro852= (NM_001371656.1, NM_001374820.1); c.2517C>T, p.Pro839= (NM_017519.3).
Identifiers: ClinVar variation 434358 (VCV000434358.17), dbSNP rs541757080, ClinGen allele CA4067069.

ClinVar aggregate classification (germline): Benign/Likely benign. Review status: criteria provided, multiple submitters, no conflicts (2 of 4 stars). 5 submissions from 5 submitters: Benign (1); Likely benign (4). Last evaluated 2026-09-01.

Allele frequency attached by ClinVar (database versions not stated): ExAC 0.00002; gnomAD exomes 0.00004; gnomAD 0.00006; 1000 Genomes Project 30x 0.00016; 1000 Genomes Project 0.00020.
gnomAD v4.1: 37 of 1,614,002 alleles (0.0023%); highest among the groups gnomAD compares: Admixed American, 0.025%; 1 homozygote.

Submissions (5):

CeGaT Center for Human Genetics Tuebingen
Classification: Likely benign. Last evaluated: 2026-09-01. Review status: criteria provided, single submitter. Criteria: CeGaT Center For Human Genetics Tuebingen Variant Classification Criteria Version 2. Collection method: clinical testing. Allele origin: germline. Affected: yes. Observed: 2 variant alleles.
Comment: ARID1B: BP4, BP7

Labcorp Genetics (formerly Invitae), Labcorp
Classification: Benign. Last evaluated: 2025-03-19. Review status: criteria provided, single submitter. Criteria: Invitae Variant Classification Sherloc (09022015). Collection method: clinical testing. Allele origin: germline.

Blueprint Genetics
Classification: Likely benign. Last evaluated: 2024-06-17. Review status: criteria provided, single submitter. Criteria: ACMG Guidelines, 2015. Collection method: clinical testing. Allele origin: germline.

GeneDx
Classification: Likely benign. Last evaluated: 2021-04-26. Review status: criteria provided, single submitter. Criteria: GeneDx Variant Classification Process June 2021. Collection method: clinical testing. Allele origin: germline. Affected: yes.

Genetic Services Laboratory, University of Chicago
Classification: Likely benign. Last evaluated: 2015-11-12. Review status: criteria provided, single submitter. Criteria: ACMG Guidelines, 2015. Collection method: clinical testing. Allele origin: germline. Affected: no.